The following is an entry in ClinVar:

NM_015443.4(KANSL1):c.808_816del (p.Leu270_Ser272del)

Gene: KANSL1 (KAT8 regulatory NSL complex subunit 1). Cytogenetic location: 17q21.31.
Variant type: Deletion.
Coding change: c.808_816del on transcript NM_015443.4 (MANE Select); coding-DNA positions 808 to 816, 9 bases deleted.
Protein change: p.Leu270_Ser272del.
Molecular consequence: inframe deletion.
Genome position: GRCh38 VCF-style: chr17-46171327-TGGAAGACAG-T. GRCh37 (hg19) VCF-style: chr17-44248693-TGGAAGACAG-T.
Other names: c.808_816del, p.Leu270_Ser272del (NM_001193465.2, NM_001193466.2, NM_001379198.1).
Identifiers: ClinVar variation 1360367 (VCV001360367.5), dbSNP rs2046275378, ClinGen allele CA2262179962.

ClinVar aggregate classification (germline): Uncertain significance (1 of 4 stars; one submission).

Conditions:
Koolen-de Vries syndrome (KDVS). Identifiers: Orphanet 96169, MedGen C1864871, MONDO:0012496, OMIM 610443.

Submission:

Labcorp Genetics (formerly Invitae), Labcorp
Classification: Uncertain significance for Koolen-de Vries syndrome. Last evaluated: 2021-10-14. Review status: criteria provided, single submitter. Criteria: Invitae Variant Classification Sherloc (09022015). Collection method: clinical testing. Allele origin: germline.
Comment: Due to the possible presence of a polymorphic segmental duplication, the location of the variant could not be unambiguously resolved. Variants with ambiguous mapping are still reported relative to the KANSL1 transcript. This variant, c.808_816del, results in the deletion of 3 amino acid(s) of the KANSL1 protein (p.Leu270_Ser272del), but otherwise preserves the integrity of the reading frame. The frequency data for this variant in the population databases (ExAC) is considered unreliable due to the presence of homologous sequence, such as pseudogenes or paralogs, in the genome. This variant has not been reported in the literature in individuals with KANSL1-related conditions. Experimental studies and prediction algorithms are not available or were not evaluated, and the functional significance of this variant is currently unknown. Until the location of this sequence change can be resolved, the clinical significance of this variant remains uncertain. It has been classified as a Variant of Uncertain Significance.